The following is an entry in ClinVar:

ClinVar aggregate classification (germline): Uncertain significance (1 of 4 stars; one submission).

Conditions:
Atrial fibrillation, familial, 18 (ATFB18). Identifiers: MedGen C4310636, MONDO:0015001, OMIM 617280.

Submission:

Labcorp Genetics (formerly Invitae), Labcorp
Classification: Uncertain significance for Atrial fibrillation, familial, 18. Last evaluated: 2025-09-04. Review status: criteria provided, single submitter. Criteria: Invitae Variant Classification Sherloc (09022015). Collection method: clinical testing. Allele origin: germline.
Comment: This sequence change replaces aspartic acid, which is acidic and polar, with tyrosine, which is neutral and polar, at codon 40 of the MYL4 protein (p.Asp40Tyr). This variant is not present in population databases (gnomAD no frequency). This variant has not been reported in the literature in individuals affected with MYL4-related conditions. An algorithm developed to predict the effect of missense changes on protein structure and function (PolyPhen-2) suggests that this variant is likely to be disruptive. In summary, the available evidence is currently insufficient to determine the role of this variant in disease. Therefore, it has been classified as a Variant of Uncertain Significance.

NM_002476.2(MYL4):c.118G>T (p.Asp40Tyr)

Gene: MYL4 (myosin light chain 4; plus strand). Cytogenetic location: 17q21.32.
Variant type: single nucleotide variant.
Coding change: c.118G>T on transcript NM_002476.2 (MANE Select); coding-DNA position 118, G replaced by T.
Protein change: p.Asp40Tyr; replaces aspartic acid 40 with tyrosine.
Molecular consequence: missense variant.
Genome position (GRCh38, 1-based): chr17:47,209,540, G>T. VCF-style: chr17-47209540-G-T. GRCh37 (hg19) VCF-style: chr17-45286906-G-T.
Other names: c.118G>T, p.Asp40Tyr (NM_001002841.2); short protein forms D40Y.
Identifiers: ClinVar variation 4726587 (VCV004726587.1).